The following is an entry in ClinVar:

NM_000245.4(MET):c.1810C>A (p.Leu604Ile)

Gene: MET (MET proto-oncogene, receptor tyrosine kinase; plus strand). Cytogenetic location: 7q31.2.
Variant type: single nucleotide variant.
Coding change: c.1810C>A on transcript NM_000245.4 (MANE Select); coding-DNA position 1810, C replaced by A.
Protein change: p.Leu604Ile; replaces leucine 604 with isoleucine.
Molecular consequence: missense variant.
Genome position (GRCh38, 1-based): chr7:116,755,463, C>A. VCF-style: chr7-116755463-C-A. GRCh37 (hg19) VCF-style: chr7-116395517-C-A.
Other names: c.1810C>A, p.Leu604Ile (NM_001127500.3, NM_001324401.3); c.520C>A, p.Leu174Ile (NM_001324402.2); short protein forms L604I, L174I.
Identifiers: ClinVar variation 1427516 (VCV001427516.11), dbSNP rs201861645, ClinGen allele CA164891676.

ClinVar aggregate classification (germline): Conflicting classifications of pathogenicity. Review status: criteria provided, conflicting classifications (1 of 4 stars). 2 submissions from 2 submitters: Uncertain significance (1); Likely benign (1). Last evaluated 2026-07-30.

Conditions:
Hereditary cancer-predisposing syndrome. Also called: Hereditary Cancer Syndrome; Neoplastic Syndromes, Hereditary; Hereditary neoplastic syndrome; Tumor predisposition. Identifiers: Orphanet 140162, MedGen C0027672, MeSH D009386, MONDO:0015356.
Renal cell carcinoma. Identifiers: Orphanet 217071, MedGen C0007134, MeSH D002292, MONDO:0005086, HP:0005584.

gnomAD v4.1: 1 of 1,613,978 alleles (0.000062%); highest among the groups gnomAD compares: East Asian, 0.0022%; no homozygotes.

Submissions (2):

Ambry Genetics
Classification: Likely benign for Hereditary cancer-predisposing syndrome. Last evaluated: 2026-07-30. Review status: criteria provided, single submitter. Criteria: Ambry Variant Classification Scheme 2023. Collection method: clinical testing. Allele origin: germline.

Labcorp Genetics (formerly Invitae), Labcorp
Classification: Uncertain significance for Renal cell carcinoma. Last evaluated: 2025-07-09. Review status: criteria provided, single submitter. Criteria: Invitae Variant Classification Sherloc (09022015). Collection method: clinical testing. Allele origin: germline.
Comment: This sequence change replaces leucine, which is neutral and non-polar, with isoleucine, which is neutral and non-polar, at codon 604 of the MET protein (p.Leu604Ile). This variant is not present in population databases (gnomAD no frequency). This variant has not been reported in the literature in individuals affected with MET-related conditions. ClinVar contains an entry for this variant (Variation ID: 1427516). Invitae Evidence Modeling of protein sequence and biophysical properties (such as structural, functional, and spatial information, amino acid conservation, physicochemical variation, residue mobility, and thermodynamic stability) indicates that this missense variant is not expected to disrupt MET protein function with a negative predictive value of 80%. In summary, the available evidence is currently insufficient to determine the role of this variant in disease. Therefore, it has been classified as a Variant of Uncertain Significance.